The following is an entry in ClinVar:

ClinVar aggregate classification (germline): Uncertain significance (1 of 4 stars; one submission).

Conditions:
Multiple congenital anomalies-hypotonia-seizures syndrome 1 (MCAHS1). Also called: PIGN-CDG; GLYCOSYLPHOSPHATIDYLINOSITOL BIOSYNTHESIS DEFECT 3; Congenital disorder of glycosylation due to PIGN deficiency. Identifiers: Orphanet 280633, MedGen C3279775, MONDO:0013563, OMIM 614080.

Submission:

Labcorp Genetics (formerly Invitae), Labcorp
Classification: Uncertain significance for Multiple congenital anomalies-hypotonia-seizures syndrome 1. Last evaluated: 2025-09-02. Review status: criteria provided, single submitter. Criteria: Invitae Variant Classification Sherloc (09022015). Collection method: clinical testing. Allele origin: germline.
Comment: This sequence change creates a premature translational stop signal (p.Leu862Serfs*36) in the PIGN gene. While this is not anticipated to result in nonsense mediated decay, it is expected to disrupt the last 70 amino acid(s) of the PIGN protein. This variant is not present in population databases (gnomAD no frequency). This variant has not been reported in the literature in individuals affected with PIGN-related conditions. ClinVar contains an entry for this variant (Variation ID: 662157). Experimental studies and prediction algorithms are not available or were not evaluated, and the functional significance of this variant is currently unknown. In summary, the available evidence is currently insufficient to determine the role of this variant in disease. Therefore, it has been classified as a Variant of Uncertain Significance.

NM_176787.5(PIGN):c.2583_2584insTC (p.Leu862fs)

Gene: PIGN (phosphatidylinositol glycan anchor biosynthesis class N; minus strand). Cytogenetic location: 18q21.33.
Variant type: Insertion.
Coding change: c.2583_2584insTC on transcript NM_176787.5 (MANE Select); coding-DNA positions 2583 to 2584, TC inserted.
Protein change: p.Leu862fs; shifts the reading frame from leucine 862.
Molecular consequence: frameshift variant.
Genome position: GRCh38 VCF-style: chr18-62074814-G-GGA. GRCh37 (hg19) VCF-style: chr18-59742047-G-GGA.
Other names: c.2583_2584insTC, p.Leu862fs (NM_012327.6); short protein forms L862fs.
Identifiers: ClinVar variation 662157 (VCV000662157.5), dbSNP rs1599458847, ClinGen allele CA915951571.